The following is an entry in ClinVar:

ClinVar aggregate classification (germline): Uncertain significance (1 of 4 stars; one submission).

Conditions:
Microphthalmia, syndromic 11 (MCOPS11). Identifiers: MedGen C3553077, MONDO:0013734, OMIM 614402.

Submission:

Labcorp Genetics (formerly Invitae), Labcorp
Classification: Uncertain significance for Microphthalmia, syndromic 11. Last evaluated: 2021-12-09. Review status: criteria provided, single submitter. Criteria: Invitae Variant Classification Sherloc (09022015). Collection method: clinical testing. Allele origin: germline.
Comment: This sequence change replaces leucine, which is neutral and non-polar, with phenylalanine, which is neutral and non-polar, at codon 214 of the VAX1 protein (p.Leu214Phe). The frequency data for this variant in the population databases is considered unreliable, as metrics indicate insufficient coverage at this position in the gnomAD database. This variant has not been reported in the literature in individuals affected with VAX1-related conditions. In summary, the available evidence is currently insufficient to determine the role of this variant in disease. Therefore, it has been classified as a Variant of Uncertain Significance. Algorithms developed to predict the effect of missense changes on protein structure and function are either unavailable or do not agree on the potential impact of this missense change (SIFT: "Deleterious"; PolyPhen-2: "Probably Damaging"; Align-GVGD: "Class C0").

NM_001112704.2(VAX1):c.642G>C (p.Leu214Phe)

Gene: VAX1 (ventral anterior homeobox 1; minus strand). Cytogenetic location: 10q25.3.
Variant type: single nucleotide variant.
Coding change: c.642G>C on transcript NM_001112704.2 (MANE Select); coding-DNA position 642, G replaced by C.
Protein change: p.Leu214Phe; replaces leucine 214 with phenylalanine.
Molecular consequence: missense variant. On other transcripts: intron variant (1).
Genome position (GRCh38, 1-based): chr10:117,134,371, C>G on the plus strand (G>C on the coding strand, the complement: VAX1 is on the minus strand). VCF-style: chr10-117134371-C-G. GRCh37 (hg19) VCF-style: chr10-118893882-C-G.
Other names: c.430-1894G>C (NM_199131.3); short protein forms L214F.
Identifiers: ClinVar variation 2038987 (VCV002038987.4), dbSNP rs554140675, ClinGen allele CA378557151.